The following is an entry in ClinVar:

NM_001171.6(ABCC6):c.982_988delinsTTCCCC (p.Val328fs)

Gene: ABCC6 (ATP binding cassette subfamily C member 6; minus strand). Cytogenetic location: 16p13.11.
Variant type: Indel.
Coding change: c.982_988delinsTTCCCC on transcript NM_001171.6 (MANE Select); coding-DNA positions 982 to 988, GTCCCCA replaced by TTCCCC.
Protein change: p.Val328fs; shifts the reading frame from valine 328.
Molecular consequence: frameshift variant. On other transcripts: non-coding transcript variant (1).
Genome position (GRCh38, 1-based): chr16:16,203,420-16,203,426, TGGGGAC replaced by GGGGAA on the plus strand (GTCCCCA replaced by TTCCCC on the coding strand, the reverse complement: ABCC6 is on the minus strand). VCF-style: chr16-16203420-TGGGGAC-GGGGAA. GRCh37 (hg19) VCF-style: chr16-16297277-TGGGGAC-GGGGAA.
Other names: c.640_646delinsTTCCCC, p.Val214fs (NM_001351800.1); short protein forms V214fs, V328fs.
Identifiers: ClinVar variation 2628399 (VCV002628399.1), dbSNP rs2511049674, ClinGen allele CA2695197446.
Genomic context (GRCh38, chr16:16,203,420, plus strand): 5'-CCACTAAGAGACCACCCACCTTAGCAGGGCACTTGAGGTCTGGGACTCACCTGAGCAGCT[TGGGGAC>GGGGAA]AGTGAACCTGAAGACATCACTGATGATGAGGCTGAGGGTCCCCAGGAGGAAGGTAGAATG-3'

ClinVar aggregate classification (germline): Pathogenic (1 of 4 stars; one submission).

Conditions:
ABCC6-related disorder. Also called: ABCC6-related condition.

Submission:

PreventionGenetics, part of Exact Sciences
Classification: Pathogenic for ABCC6-related condition. Last evaluated: 2022-09-06. Review status: criteria provided, single submitter. Criteria: ACMG Guidelines, 2015. Collection method: clinical testing. Allele origin: germline.
Comment: The ABCC6 c.982_988delinsTTCCCC variant is predicted to result in a frameshift and premature protein termination (p.Val328Phefs*28). This variant has been reported in an individual with ectopic mineralization (Alternatively described as [c.989del:c.982G>T], Table S1, Patient 76, Saeidian et al. 2022. PubMed ID: 34906475). This variant has not been reported in a large population database, indicating this variant is rare. Frameshift variants in ABCC6 are expected to be pathogenic. This variant is interpreted as pathogenic.